The following is an entry in ClinVar:

ClinVar aggregate classification (germline): Uncertain significance (1 of 4 stars; one submission).

Submission:

Ambry Genetics
Classification: Uncertain significance. Last evaluated: 2025-03-03. Review status: criteria provided, single submitter. Criteria: Ambry Variant Classification Scheme 2023. Collection method: clinical testing. Allele origin: germline.
Comment: The p.E224G variant (also known as c.671A>G), located in coding exon 3 of the GFI1 gene, results from an A to G substitution at nucleotide position 671. The glutamic acid at codon 224 is replaced by glycine, an amino acid with similar properties. This amino acid position is conserved. In addition, this alteration is predicted to be tolerated by in silico analysis. Based on the available evidence, the clinical significance of this variant remains unclear.

NM_005263.5(GFI1):c.671A>G (p.Glu224Gly)

Gene: GFI1 (growth factor independent 1 transcriptional repressor; minus strand). Cytogenetic location: 1p22.1.
Variant type: single nucleotide variant.
Coding change: c.671A>G on transcript NM_005263.5 (MANE Select); coding-DNA position 671, A replaced by G.
Protein change: p.Glu224Gly; replaces glutamic acid 224 with glycine.
Molecular consequence: missense variant.
Genome position (GRCh38, 1-based): chr1:92,480,716, T>C on the plus strand (A>G on the coding strand, the complement: GFI1 is on the minus strand). VCF-style: chr1-92480716-T-C. GRCh37 (hg19) VCF-style: chr1-92946273-T-C.
Other names: c.671A>G, p.Glu224Gly (NM_001127215.3, NM_001127216.3); short protein forms E224G.
Identifiers: ClinVar variation 3853738 (VCV003853738.1).